The following is an entry in ClinVar:

NM_001267550.2(TTN):c.5582G>A (p.Arg1861His)

Gene: TTN (titin; minus strand). Cytogenetic location: 2q31.2.
Variant type: single nucleotide variant.
Coding change: c.5582G>A on transcript NM_001267550.2 (MANE Select); coding-DNA position 5582, G replaced by A.
Protein change: p.Arg1861His; replaces arginine 1861 with histidine.
Molecular consequence: missense variant.
Genome position (GRCh38, 1-based): chr2:178,776,282, C>T on the plus strand (G>A on the coding strand, the complement: TTN is on the minus strand). VCF-style: chr2-178776282-C-T. GRCh37 (hg19) VCF-style: chr2-179641009-C-T.
Other names: p.R1861H:CGC>CAC; c.5582G>A, p.Arg1861His (NM_001256850.1, NM_133378.4, NM_133379.5); c.5444G>A, p.Arg1815His (NM_003319.4, NM_133432.3, NM_133437.4); short protein forms R1861H, R1815H.
Identifiers: ClinVar variation 47195 (VCV000047195.52), dbSNP rs140914855, ClinGen allele CA140284.
Genomic context (GRCh38, chr2:178,776,282, plus strand): 5'-ATGAGCTGTCCATTGAGGTACCAGTTGACTTTGGGCTGAGGGTAGCCTGTTACCCTGCAG[C>T]GGAACCTTGCAGTCTCCCCTTCAAGTACTCTAACTGGCTCTGGGTACAAGACAATGTCTG-3'
Protein context (NP_001254479.2, residues 1851-1871): RVLEGETARF[Arg1861His]CRVTGYPQPK

ClinVar aggregate classification (germline): Conflicting classifications of pathogenicity. Review status: criteria provided, conflicting classifications (1 of 4 stars). 13 submissions from 13 submitters: Uncertain significance (10); Likely benign (2). 1 of the submissions does not count toward it. Last evaluated 2025-07-23.

Conditions:
Cardiovascular phenotype. Identifiers: MedGen CN230736.
TTN-related disorder. Also called: TTN-related condition; TTN-related disease; TTN-related disorders.
Dilated cardiomyopathy 1G (CMD1G). Identifiers: Orphanet 154, MedGen C1858763, MONDO:0011400, OMIM 604145.
Autosomal recessive limb-girdle muscular dystrophy type 2J (LGMDR10). Also called: Limb-girdle muscular dystrophy, type 2J; MUSCULAR DYSTROPHY, LIMB-GIRDLE, AUTOSOMAL RECESSIVE 10. Identifiers: Orphanet 140922, MedGen C1837342, MONDO:0012127, OMIM 608807.
Cardiomyopathy (CMYO). Also called: Cardiomyopathies. Identifiers: Orphanet 167848, MedGen C0878544, MONDO:0004994, HP:0001638. Inheritance: Various modes of inheritance.

Allele frequency attached by ClinVar (database versions not stated): gnomAD 0.00003 and 0.00004; TOPMed 0.00004; ExAC 0.00008; ESP Exome Variant Server 0.00008; gnomAD exomes 0.00009.
gnomAD v4.1: 129 of 1,614,050 alleles (0.008%); highest among the groups gnomAD compares: Middle Eastern, 0.05%; no homozygotes.

Submissions (13):

Revvity Omics, Revvity
Classification: Uncertain significance. Last evaluated: 2025-07-23. Review status: criteria provided, single submitter. Criteria: ACMG Guidelines, 2015. Collection method: clinical testing. Allele origin: germline.

Molecular Diagnostic Laboratory for Inherited Cardiovascular Disease, Montreal Heart Institute
Classification: Likely benign. Last evaluated: 2025-04-09. Review status: criteria provided, single submitter. Criteria: ACMG Guidelines, 2015. Collection method: clinical testing. Allele origin: germline. Affected: no.

Department of Human Genetics, Hannover Medical School
Classification: Uncertain significance for Dilated cardiomyopathy 1G. Last evaluated: 2025-02-05. Review status: criteria provided, single submitter. Criteria: ACMG Guidelines, 2015. Collection method: clinical testing. Allele origin: germline. Affected: yes.
Comment: ACMG: PP2

CeGaT Center for Human Genetics Tuebingen
Classification: Uncertain significance. Last evaluated: 2025-02-01. Review status: criteria provided, single submitter. Criteria: CeGaT Center For Human Genetics Tuebingen Variant Classification Criteria Version 2. Collection method: clinical testing. Allele origin: germline. Affected: yes. Observed: 2 variant alleles.

Blueprint Genetics
Classification: Uncertain significance. Last evaluated: 2024-09-03. Review status: criteria provided, single submitter. Criteria: ACMG Guidelines, 2015. Collection method: clinical testing. Allele origin: germline.

GeneDx
Classification: Likely benign. Last evaluated: 2021-01-21. Review status: criteria provided, single submitter. Criteria: GeneDx Variant Classification Process June 2021. Collection method: clinical testing. Allele origin: germline. Affected: yes.

Ambry Genetics
Classification: Uncertain significance for Cardiovascular phenotype. Last evaluated: 2020-02-25. Review status: criteria provided, single submitter. Criteria: Ambry Variant Classification Scheme 2023. Collection method: clinical testing. Allele origin: germline.
Comment: The p.R1815H variant (also known as c.5444G>A), located in coding exon 26 of the TTN gene, results from a G to A substitution at nucleotide position 5444. The arginine at codon 1815 is replaced by histidine, an amino acid with highly similar properties. This amino acid position is highly conserved in available vertebrate species. In addition, the in silico prediction for this alteration is inconclusive. Since supporting evidence is limited at this time, the clinical significance of this alteration remains unclear.

CHEO Genetics Diagnostic Laboratory, Children's Hospital of Eastern Ontario
Classification: Uncertain significance for Cardiomyopathy. Last evaluated: 2019-07-02. Review status: criteria provided, single submitter. Criteria: ACMG Guidelines, 2015. Collection method: clinical testing. Allele origin: germline.

Labcorp Genetics (formerly Invitae), Labcorp
Classification: Uncertain significance for Dilated cardiomyopathy 1G; Autosomal recessive limb-girdle muscular dystrophy type 2J. Last evaluated: 2017-10-17. Review status: criteria provided, single submitter. Criteria: Invitae Variant Classification Sherloc (09022015). Collection method: clinical testing. Allele origin: germline.

Laboratory for Molecular Medicine, Mass General Brigham Personalized Medicine
Classification: Uncertain significance. Last evaluated: 2016-09-12. Review status: criteria provided, single submitter. Criteria: LMM Criteria. Collection method: clinical testing. Allele origin: germline. Observed: 3 variant alleles.
Comment: The p.Arg1861His variant in TTN has been identified by our laboratory in 1 indiv idual with DCM and 1 individual with LVNC. This variant has been identified in 9 /66738 European chromosomes by the Exome Aggregation Consortium (ExAC; dbSNP rs140914855). Computational prediction tools and co nservation analysis do not provide strong support for or against an impact to th e protein. In summary, the clinical significance of the p.Arg1861His variant is uncertain.

Eurofins Ntd Llc (ga)
Classification: Uncertain significance. Last evaluated: 2015-10-16. Review status: criteria provided, single submitter. Criteria: EGL Classification Definitions 2015. Collection method: clinical testing. Allele origin: germline. Observed: 2 variant alleles, 2 heterozygotes.

Genetic Services Laboratory, University of Chicago
Classification: Uncertain significance. Last evaluated: 2015-01-08. Review status: criteria provided, single submitter. Criteria: ACMG Guidelines, 2015. Collection method: clinical testing. Allele origin: germline.

PreventionGenetics, part of Exact Sciences
Classification: Uncertain significance for TTN-related condition. Last evaluated: 2024-09-18. Review status: no assertion criteria provided. Collection method: clinical testing. Allele origin: germline. Not counted in ClinVar's aggregate classification.
Comment: The TTN c.5582G>A variant is predicted to result in the amino acid substitution p.Arg1861His. This variant has been reported in an individual with left ventricular noncompaction (Table S2, Mazzarotto et al. 2021. PubMed ID: 33500567). This variant is reported in 0.014% of alleles in individuals of European (Non-Finnish) descent in gnomAD. At this time, the clinical significance of this variant is uncertain due to the absence of conclusive functional and genetic evidence.